The following is an entry in ClinVar:

NM_003722.5(TP63):c.883G>A (p.Val295Ile)

Gene: TP63 (tumor protein p63; plus strand). Cytogenetic location: 3q28.
Variant type: single nucleotide variant.
Coding change: c.883G>A on transcript NM_003722.5 (MANE Select); coding-DNA position 883, G replaced by A.
Protein change: p.Val295Ile; replaces valine 295 with isoleucine.
Molecular consequence: missense variant.
Genome position (GRCh38, 1-based): chr3:189,867,833, G>A. VCF-style: chr3-189867833-G-A. GRCh37 (hg19) VCF-style: chr3-189585622-G-A.
Other names: c.883G>A, p.Val295Ile (NM_001114979.2, NM_001329144.2, NM_001329148.2 and 1 more transcripts); c.601G>A, p.Val201Ile (NM_001114980.2, NM_001114981.2, NM_001114982.2 and 2 more transcripts); c.346G>A, p.Val116Ile (NM_001329146.2, NM_001329150.2); c.877G>A, p.Val293Ile (NM_001329964.2); short protein forms V116I, V201I, V293I, V295I.
Identifiers: ClinVar variation 3621081 (VCV003621081.1).

ClinVar aggregate classification (germline): Uncertain significance (1 of 4 stars; one submission).

Conditions:
TP63-Related Spectrum Disorders.

Submission:

Labcorp Genetics (formerly Invitae), Labcorp
Classification: Uncertain significance. Last evaluated: 2024-09-10. Review status: criteria provided, single submitter. Criteria: Invitae Variant Classification Sherloc (09022015). Collection method: clinical testing. Allele origin: germline.
Comment: This sequence change replaces valine, which is neutral and non-polar, with isoleucine, which is neutral and non-polar, at codon 295 of the TP63 protein (p.Val295Ile). This variant is not present in population databases (gnomAD no frequency). This variant has not been reported in the literature in individuals affected with TP63-related conditions. An algorithm developed to predict the effect of missense changes on protein structure and function (PolyPhen-2) suggests that this variant is likely to be disruptive. In summary, the available evidence is currently insufficient to determine the role of this variant in disease. Therefore, it has been classified as a Variant of Uncertain Significance.